The following is an entry in ClinVar:

NM_014989.7(RIMS1):c.321C>T (p.Gly107=)

Gene: RIMS1 (regulating synaptic membrane exocytosis 1; plus strand). Cytogenetic location: 6q13.
Variant type: single nucleotide variant.
Coding change: c.321C>T on transcript NM_014989.7 (MANE Select); coding-DNA position 321, C replaced by T.
Protein change: p.Gly107=; no amino-acid change (glycine 107 retained).
Molecular consequence: synonymous variant.
Genome position (GRCh38, 1-based): chr6:72,097,024, C>T. VCF-style: chr6-72097024-C-T. GRCh37 (hg19) VCF-style: chr6-72806727-C-T.
Other names: c.318C>T, p.Gly106= (NM_001350411.1); c.240C>T, p.Gly80= (NM_001350412.1); c.321C>T, p.Gly107= (NM_001350413.1).
Identifiers: ClinVar variation 2038731 (VCV002038731.4), dbSNP rs1408660383, ClinGen allele CA450942189.

ClinVar aggregate classification (germline): Uncertain significance (1 of 4 stars; one submission).

Allele frequency attached by ClinVar (database versions not stated): gnomAD exomes 0.00001.
gnomAD v4.1: 10 of 1,613,906 alleles (0.00062%); highest among the groups gnomAD compares: South Asian, 0.0022%; no homozygotes.

Submission:

Labcorp Genetics (formerly Invitae), Labcorp
Classification: Uncertain significance. Last evaluated: 2022-04-30. Review status: criteria provided, single submitter. Criteria: Invitae Variant Classification Sherloc (09022015). Collection method: clinical testing. Allele origin: germline.
Comment: In summary, the available evidence is currently insufficient to determine the role of this variant in disease. Therefore, it has been classified as a Variant of Uncertain Significance. Algorithms developed to predict the effect of sequence changes on RNA splicing suggest that this variant may create or strengthen a splice site. This variant has not been reported in the literature in individuals affected with RIMS1-related conditions. This variant is present in population databases (no rsID available, gnomAD 0.003%). This sequence change affects codon 107 of the RIMS1 mRNA. It is a 'silent' change, meaning that it does not change the encoded amino acid sequence of the RIMS1 protein.